The following is an entry in ClinVar:

NM_021023.6(CFHR3):c.613+405T>C

Gene: CFHR3 (complement factor H related 3; plus strand). Cytogenetic location: 1q31.3.
Variant type: single nucleotide variant.
Coding change: c.613+405T>C on transcript NM_021023.6 (MANE Select); 405 bases into the intron after coding-DNA position 613, T replaced by C.
Molecular consequence: intron variant.
Genome position (GRCh38, 1-based): chr1:196,788,803, T>C. VCF-style: chr1-196788803-T-C. GRCh37 (hg19) VCF-style: chr1-196757933-T-C.
Other names: c.431-1242T>C (NM_001166624.2).
Identifiers: ClinVar variation 2672373 (VCV002672373.23), dbSNP rs1025391338, ClinGen allele CA35835566.
Genomic context (GRCh38, chr1:196,788,803, plus strand): 5'-AGCTGCTTGTATTGCATTCCGTGCTCACGCTCAGAAAAGTTGTACATGTCGGGGGAGAAA[T>C]GAGTGCTTAATTCTGAATTTCTGCTAGCGTCAGGAGAATCAGACCTTAATAATTTGTATC-3'

ClinVar aggregate classification (germline): Likely benign (1 of 4 stars; one submission).

Allele frequency attached by ClinVar (database versions not stated): gnomAD exomes 0.00003; gnomAD 0.00004; TOPMed 0.00004.

Submission:

CeGaT Center for Human Genetics Tuebingen
Classification: Likely benign. Last evaluated: 2023-11-01. Review status: criteria provided, single submitter. Criteria: CeGaT Center For Human Genetics Tuebingen Variant Classification Criteria Version 2. Collection method: clinical testing. Allele origin: germline. Affected: yes. Observed: 1 variant allele.
Comment: CFHR3: BP4, BP7